The following is an entry in ClinVar:

ClinVar aggregate classification (germline): Uncertain significance (1 of 4 stars; one submission).

Conditions:
Epilepsy, childhood absence, susceptibility to, 6. Identifiers: Orphanet 64280, MedGen C2749872, MONDO:0012763, OMIM 611942.
Hyperaldosteronism, familial, type IV (HALD4). Also called: FH IV; ALDOSTERONISM, PRIMARY, AND HYPERTENSION. Identifiers: Orphanet 642671, MedGen C4310756, MONDO:0014875, OMIM 617027.

Submission:

Juno Genomics, Hangzhou Juno Genomics, Inc
Classification: Uncertain significance for Epilepsy, childhood absence, susceptibility to, 6; Hyperaldosteronism, familial, type IV. Review status: criteria provided, single submitter. Criteria: ACMG Guidelines, 2015. Collection method: clinical testing. Allele origin: germline. Affected: yes.
Comment: Absent from controls (or at extremely low frequency if recessive) in Genome Aggregation Database, Exome Sequencing Project, 1000 Genomes Project, or Exome Aggregation Consortium.;Multiple lines of computational evidence support a deleterious effect on the gene or gene product (conservation, evolutionary, splicing impact, etc).

NM_021098.3(CACNA1H):c.4268T>C (p.Leu1423Pro)

Gene: CACNA1H (calcium voltage-gated channel subunit alpha1 H; plus strand). Cytogenetic location: 16p13.3.
Variant type: single nucleotide variant.
Coding change: c.4268T>C on transcript NM_021098.3 (MANE Select); coding-DNA position 4268, T replaced by C.
Protein change: p.Leu1423Pro; replaces leucine 1423 with proline.
Molecular consequence: missense variant.
Genome position (GRCh38, 1-based): chr16:1,211,212, T>C. VCF-style: chr16-1211212-T-C. GRCh37 (hg19) VCF-style: chr16-1261212-T-C.
Other names: c.4268T>C, p.Leu1423Pro (NM_001005407.2); short protein forms L1423P.
Identifiers: ClinVar variation 3382023 (VCV003382023.2).
Genomic context (GRCh38, chr16:1,211,212, plus strand): 5'-CTTCACTCCCCTCCAGGGTCATCAGCCGGGCCCCGGGCCTCAAGCTGGTGGTGGAGACGC[T>C]GATATCATCACTCAGGCCCATTGGGAACATCGTCCTCATCTGCTGCGCCTTCTTCATCAT-3'
Protein context (NP_066921.2, residues 1413-1433): APGLKLVVET[Leu1423Pro]ISSLRPIGNI